The following is an entry in ClinVar:

ClinVar aggregate classification (germline): Benign/Likely benign. Review status: criteria provided, multiple submitters, no conflicts (2 of 4 stars). 10 submissions from 8 submitters: Benign (7); Likely benign (1). 2 of the submissions do not count toward it. Last evaluated 2026-02-04.

Conditions:
Thrombophilia due to thrombin defect (THPH1). Also called: Thrombosis susceptibility; THROMBOPHILIA DUE TO FACTOR 2 DEFECT; Prothrombin-Related Thrombophilia (Factor II); Prothrombin Thrombophilia. Identifiers: MedGen C3160733, MONDO:0008559, OMIM 188050. Disease mechanism: gain of function, loss of function.
Congenital factor V deficiency. Also called: LABILE FACTOR DEFICIENCY; OWREN PARAHEMOPHILIA; PARAHEMOPHILIA; Hereditary factor V deficiency disease. Identifiers: Orphanet 326, MedGen C0015499, MONDO:0009210, OMIM 227400.
Budd-Chiari syndrome (BDCHS). Also called: Hepatic vein obstruction. Identifiers: Orphanet 131, MedGen C0856761, MONDO:0010947, OMIM 600880, HP:0002639.
Factor V deficiency. Also called: Reduced coagulation factor V activity. Identifiers: Orphanet 326, MedGen C4317320, MONDO:0020586, HP:0003225.

Allele frequency attached by ClinVar (database versions not stated): gnomAD exomes 0.12747 and 0.20836; gnomAD 0.21875 and 0.22184; 1000 Genomes Project 30x 0.23298; ESP Exome Variant Server 0.24427; 1000 Genomes Project 0.26358; ExAC 0.27297.
gnomAD v4.1: 158,272 of 1,129,062 alleles (14%); highest among the groups gnomAD compares: Admixed American, 29%; 25,696 homozygotes.

Submissions (10):

Labcorp Genetics (formerly Invitae), Labcorp
Classification: Benign for Congenital factor V deficiency. Last evaluated: 2026-02-04. Review status: criteria provided, single submitter. Criteria: Invitae Variant Classification Sherloc (09022015). Collection method: clinical testing. Allele origin: germline.

Mayo Clinic Laboratories, Mayo Clinic
Classification: Benign. Last evaluated: 2022-01-13. Review status: criteria provided, single submitter. Criteria: ACMG Guidelines, 2015. Collection method: clinical testing. Allele origin: germline. Observed: 90 variant alleles.

GeneDx
Classification: Benign. Last evaluated: 2021-05-04. Review status: criteria provided, single submitter. Criteria: GeneDx Variant Classification Process June 2021. Collection method: clinical testing. Allele origin: germline. Affected: yes.

Illumina Laboratory Services, Illumina
Classification: Benign for Congenital factor V deficiency. Last evaluated: 2018-01-12. Review status: criteria provided, single submitter. Criteria: ICSL Variant Classification Criteria 13 December 2019. Collection method: clinical testing. Allele origin: germline.
Comment: This variant was observed in the ICSL laboratory as part of a predisposition screen in an ostensibly healthy population. It had not been previously curated by ICSL or reported in the Human Gene Mutation Database (HGMD: prior to June 1st, 2018), and was therefore a candidate for classification through an automated scoring system. Utilizing variant allele frequency, disease prevalence and penetrance estimates, and inheritance mode, an automated score was calculated to assess if this variant is too frequent to cause the disease. Based on the score and internal cut-off values, a variant classified as benign is not then subjected to further curation. The score for this variant resulted in a classification of benign for this disease.

Illumina Laboratory Services, Illumina
Classification: Benign for Budd-Chiari syndrome. Last evaluated: 2018-01-12. Review status: criteria provided, single submitter. Criteria: ICSL Variant Classification Criteria 13 December 2019. Collection method: clinical testing. Allele origin: germline.
Comment: the same text as in the submission from Illumina Laboratory Services, Illumina above.

Illumina Laboratory Services, Illumina
Classification: Benign for Venous thrombosis. Last evaluated: 2018-01-12. Review status: criteria provided, single submitter. Criteria: ICSL Variant Classification Criteria 13 December 2019. Collection method: clinical testing. Allele origin: germline.
Comment: the same text as in the submission from Illumina Laboratory Services, Illumina above.

Breakthrough Genomics
Classification: Likely benign. Review status: criteria provided, single submitter. Criteria: ACMG Guidelines, 2015. Collection method: not provided. Allele origin: germline. Inheritance: Autosomal recessive inheritance. Affected: yes.

PreventionGenetics, part of Exact Sciences
Classification: Benign. Review status: criteria provided, single submitter. Criteria: ACMG Guidelines, 2015. Collection method: clinical testing. Allele origin: germline.

Diagnostic Laboratory, Department of Genetics, University Medical Center Groningen
Classification: Benign. Review status: no assertion criteria provided. Collection method: clinical testing. Allele origin: germline. Affected: yes. Study: VKGL Data-share Consensus. Not counted in ClinVar's aggregate classification.

Joint Genome Diagnostic Labs from Nijmegen and Maastricht, Radboudumc and MUMC+
Classification: Benign. Review status: no assertion criteria provided. Collection method: clinical testing. Allele origin: germline. Affected: yes. Study: VKGL Data-share Consensus. Not counted in ClinVar's aggregate classification.

NM_000130.5(F5):c.3948C>T (p.Leu1316=)

Gene: F5 (coagulation factor V; minus strand). Cytogenetic location: 1q24.2.
Variant type: single nucleotide variant.
Coding change: c.3948C>T on transcript NM_000130.5 (MANE Select); coding-DNA position 3948, C replaced by T.
Protein change: p.Leu1316=; no amino-acid change (leucine 1316 retained).
Molecular consequence: synonymous variant.
Genome position (GRCh38, 1-based): chr1:169,541,142, G>A on the plus strand (C>T on the coding strand, the complement: F5 is on the minus strand). VCF-style: chr1-169541142-G-A. GRCh37 (hg19) VCF-style: chr1-169510380-G-A.
Other names: p.Leu1316=.
Identifiers: ClinVar variation 255206 (VCV000255206.19), dbSNP rs9287090, ClinGen allele CA1233790.
Genomic context (GRCh38, chr1:169,541,142, plus strand): 5'-CTGGCTGAAGTCTAGAGAAAGGGTTGTATGGCTGAGGTCTGGAGAAATGGGCATCTGACC[G>A]AGGGCTGGGGAAAGGTTTGTCTGACTGAGTTCTGGAGAGAGAGTCATATGGCTGAGTTCT-3'
Protein context (NP_000121.2, residues 1306-1326): ELSQTNLSPA[Leu1316=]GQMPISPDLS